The following is an entry in ClinVar:

ClinVar aggregate classification (germline): Likely pathogenic; drug response. Review status: reviewed by expert panel (3 of 4 stars). 9 submissions from 3 submitters: Likely pathogenic (1). 1 of the submissions does not count toward it. Last evaluated 2025-08-01.

Conditions:
Malignant hyperthermia, susceptibility to, 1 (MHS1). Also called: RYR1-Related Malignant Hyperthermia Susceptibility; Malignant hyperthermia suceptibility 1; Anesthesia related hyperthermia; Malignant hyperpyrexia; Fulminating hyperpyrexia; Pharmacogenic myopathy. Identifiers: Orphanet 423, MedGen C2930980, MONDO:0007783, OMIM 145600.
desflurane response - Toxicity.
succinylcholine response - Toxicity.
sevoflurane response - Toxicity.
methoxyflurane response - Toxicity.
isoflurane response - Toxicity.
halothane response - Toxicity.
enflurane response - Toxicity.

Submissions (9):

ClinGen Malignant Hyperthermia Susceptibility Variant Curation Expert Panel, ClinGen
Classification: Likely pathogenic for Malignant hyperthermia, susceptibility to, 1. Last evaluated: 2025-08-01. Review status: reviewed by expert panel. Criteria: RYR1-MHS Interpretation Guidelines V2. Collection method: curation. Allele origin: germline. Inheritance: Autosomal dominant inheritance.
Comment: This pathogenicity assessment is relevant only for malignant hyperthermia susceptibility (MHS) inherited in an autosomal dominant pattern. Variants in RYR1 can also cause other myopathies inherited in an autosomal dominant pattern or in an autosomal recessive pattern. Some of these disorders may predispose individuals to malignant hyperthermia. RYR1 variants may also contribute to a malignant hyperthermia reaction in combination with other genetic and non-genetic factors and the clinician needs to consider such factors in making management decisions. This sequence variant predicts a substitution of leucine with valine at codon 4838 of the RYR1 protein, p.(Leu4838Val). This variant was not present in a large population database (gnomAD) at the time this variant was interpreted. This variant has been reported in seven unrelated individuals who have a personal or family history of a malignant hyperthermia reaction, two of these individuals had a positive in vitro contracture test (IVCT) or caffeine halothane contracture test (CHCT) result (if the proband was unavailable for testing, a positive diagnostic test result in a mutation-positive relative was counted), PS4_Moderate (PMID: 19191329, 30236257, 11928716, 16732084, 21157159). A functional study in CHO cells shows an increased sensitivity to RYR1 agonists, PS3_Supporting (PMID: 28687594). This variant resides in a region of RYR1 considered to be a hotspot for pathogenic variants that contribute to MHS, PM1_Sup (PMID: 21118704). A REVEL score >0.85 (0.882) supports a pathogenic status for this variant, PP3_Moderate. This variant has been classified as Likely Pathogenic. Criteria implemented: PS3_Supporting, PS4_Moderate, PM1_Supporting, PP3_Moderate.

ClinPGx
Classification: drug response for desflurane response - Toxicity. Last evaluated: 2021-03-24. Review status: reviewed by expert panel. Criteria: Pharmacogenomics knowledge for personalized medicine. Collection method: curation. Allele origin: germline. Affected: yes.
Comment: PharmGKB Level of Evidence 1A: Level 1A clinical annotations describe variant-drug combinations that have variant-specific prescribing guidance available in a current clinical guideline annotation or an FDA-approved drug label annotation. Annotations of drug labels or clinical guidelines must give prescribing guidance for specific variants (e.g. CYP2C9*3, HLA-B*57:01) or provide mapping from defined allele functions to diplotypes and phenotypes to be used as supporting evidence for a level 1A clinical annotation. Level 1A clinical annotations must also be supported by at least one publication in addition to a clinical guideline or drug label with variant-specific prescribing guidance.

Drug is not necessarily used to treat response condition

ClinPGx
Classification: drug response for enflurane response - Toxicity. Last evaluated: 2021-03-24. Review status: reviewed by expert panel. Criteria: Pharmacogenomics knowledge for personalized medicine. Collection method: curation. Allele origin: germline. Affected: yes.
Comment: the same text as in the submission from ClinPGx above.

ClinPGx
Classification: drug response for halothane response - Toxicity. Last evaluated: 2021-03-24. Review status: reviewed by expert panel. Criteria: Pharmacogenomics knowledge for personalized medicine. Collection method: curation. Allele origin: germline. Affected: yes.
Comment: the same text as in the submission from ClinPGx above.

ClinPGx
Classification: drug response for isoflurane response - Toxicity. Last evaluated: 2021-03-24. Review status: reviewed by expert panel. Criteria: Pharmacogenomics knowledge for personalized medicine. Collection method: curation. Allele origin: germline. Affected: yes.
Comment: the same text as in the submission from ClinPGx above.

ClinPGx
Classification: drug response for methoxyflurane response - Toxicity. Last evaluated: 2021-03-24. Review status: reviewed by expert panel. Criteria: Pharmacogenomics knowledge for personalized medicine. Collection method: curation. Allele origin: germline. Affected: yes.
Comment: the same text as in the submission from ClinPGx above.

ClinPGx
Classification: drug response for sevoflurane response - Toxicity. Last evaluated: 2021-03-24. Review status: reviewed by expert panel. Criteria: Pharmacogenomics knowledge for personalized medicine. Collection method: curation. Allele origin: germline. Affected: yes.
Comment: the same text as in the submission from ClinPGx above.

ClinPGx
Classification: drug response for succinylcholine response - Toxicity. Last evaluated: 2021-03-24. Review status: reviewed by expert panel. Criteria: Pharmacogenomics knowledge for personalized medicine. Collection method: curation. Allele origin: germline. Affected: yes.
Comment: the same text as in the submission from ClinPGx above.

RYR1 database
No classification provided. Review status: no classification provided. Collection method: not provided. Allele origin: unknown. Not counted in ClinVar's aggregate classification.

Literature cited by the submitters: PubMed 11928716 (cited by ClinPGx); PubMed 16732084 (cited by ClinPGx); PubMed 16917943 (cited by ClinPGx); PubMed 18306019 (cited by ClinPGx); PubMed 19191329 (cited by ClinPGx).

NM_000540.3(RYR1):c.14512C>G (p.Leu4838Val)

Gene: RYR1 (ryanodine receptor 1; plus strand). Cytogenetic location: 19q13.2.
Variant type: single nucleotide variant.
Coding change: c.14512C>G on transcript NM_000540.3 (MANE Select); coding-DNA position 14512, C replaced by G.
Protein change: p.Leu4838Val; replaces leucine 4838 with valine.
Molecular consequence: missense variant.
Genome position (GRCh38, 1-based): chr19:38,580,370, C>G. VCF-style: chr19-38580370-C-G. GRCh37 (hg19) VCF-style: chr19-39071010-C-G.
Other names: NM_000540.3(RYR1):c.14512C>G; c.14497C>G, p.Leu4833Val (NM_001042723.2); short protein forms L4838V, L4833V.
Identifiers: ClinVar variation 133074 (VCV000133074.8), dbSNP rs193922878, ClinGen allele CA024163.